The following is an entry in ClinVar:

ClinVar aggregate classification (germline): Uncertain significance (1 of 4 stars; one submission).

Conditions:
Inborn genetic diseases. Identifiers: MedGen C0950123, MeSH D030342.

gnomAD v4.1: 1 of 1,613,220 alleles (0.000062%); highest among the groups gnomAD compares: Non-Finnish European, 0.000085%; no homozygotes.

Submission:

Ambry Genetics
Classification: Uncertain significance for Inborn genetic diseases. Last evaluated: 2025-09-25. Review status: criteria provided, single submitter. Criteria: Ambry Variant Classification Scheme 2023. Collection method: clinical testing. Allele origin: germline.
Comment: The p.I245T variant (also known as c.734T>C), located in coding exon 5 of the ELANE gene, results from a T to C substitution at nucleotide position 734. The isoleucine at codon 245 is replaced by threonine, an amino acid with similar properties. This amino acid position is conserved. In addition, the in silico prediction for this alteration is inconclusive. Based on the available evidence, the clinical significance of this variant remains unclear.

NM_001972.4(ELANE):c.734T>C (p.Ile245Thr)

Gene: ELANE (elastase, neutrophil expressed; plus strand). Cytogenetic location: 19p13.3.
Variant type: single nucleotide variant.
Coding change: c.734T>C on transcript NM_001972.4 (MANE Select); coding-DNA position 734, T replaced by C.
Protein change: p.Ile245Thr; replaces isoleucine 245 with threonine.
Molecular consequence: missense variant.
Genome position (GRCh38, 1-based): chr19:856,094, T>C. VCF-style: chr19-856094-T-C. GRCh37 (hg19) VCF-style: chr19-856094-T-C.
Other names: short protein forms I245T.
Identifiers: ClinVar variation 4618390 (VCV004618390.1).